The following is an entry in ClinVar:

NM_001042472.3(ABHD12):c.571A>G (p.Lys191Glu)

Gene: ABHD12 (abhydrolase domain containing 12, lysophospholipase; minus strand). Cytogenetic location: 20p11.21.
Variant type: single nucleotide variant.
Coding change: c.571A>G on transcript NM_001042472.3 (MANE Select); coding-DNA position 571, A replaced by G.
Protein change: p.Lys191Glu; replaces lysine 191 with glutamic acid.
Molecular consequence: missense variant.
Genome position (GRCh38, 1-based): chr20:25,317,050, T>C on the plus strand (A>G on the coding strand, the complement: ABHD12 is on the minus strand). VCF-style: chr20-25317050-T-C. GRCh37 (hg19) VCF-style: chr20-25297686-T-C.
Other names: c.571A>G, p.Lys191Glu (NM_015600.5); short protein forms K191E.
Identifiers: ClinVar variation 849351 (VCV000849351.10), dbSNP rs2088975910, ClinGen allele CA408456619.
Genomic context (GRCh38, chr20:25,317,050, plus strand): 5'-ACTTCCTGCCCTGGAAAGAACAGCCCAGGGAACAGGTGTGGGTGCTGCCTGCACTCACCT[T>C]GTAAAGCTCCACGCGGTGGTCGCCTCCTCTGGAGAAGAAAACAGGACATGGTGTGAGCAC-3'
Protein context (NP_001035937.1, residues 181-201): RGGDHRVELY[Lys191Glu]VLSSLGYHVV

ClinVar aggregate classification (germline): Uncertain significance. Review status: criteria provided, multiple submitters, no conflicts (2 of 4 stars). 2 submissions from 2 submitters: Uncertain significance (2). Last evaluated 2024-12-09.

Conditions:
ABHD12-related disorder. Also called: ABHD12-related condition.

Allele frequency attached by ClinVar (database versions not stated): gnomAD exomes below 0.00001.
gnomAD v4.1: 1 of 1,613,086 alleles (0.000062%); highest among the groups gnomAD compares: Non-Finnish European, 0.000085%; no homozygotes.

Submissions (2):

PreventionGenetics, part of Exact Sciences
Classification: Uncertain significance for ABHD12-related condition. Last evaluated: 2024-12-09. Review status: criteria provided, single submitter. Criteria: ACMG Guidelines, 2015. Collection method: clinical testing. Allele origin: germline.
Comment: The ABHD12 c.571A>G variant is predicted to result in the amino acid substitution p.Lys191Glu. To our knowledge, this variant has not been reported in the literature or in a large population database (gnomAD), indicating this variant is rare. At this time, the clinical significance of this variant is uncertain due to the absence of conclusive functional and genetic evidence.

Labcorp Genetics (formerly Invitae), Labcorp
Classification: Uncertain significance. Last evaluated: 2019-12-14. Review status: criteria provided, single submitter. Criteria: Invitae Variant Classification Sherloc (09022015). Collection method: clinical testing. Allele origin: germline.
Comment: In summary, the available evidence is currently insufficient to determine the role of this variant in disease. Therefore, it has been classified as a Variant of Uncertain Significance. Algorithms developed to predict the effect of missense changes on protein structure and function are either unavailable or do not agree on the potential impact of this missense change (SIFT: "Deleterious"; PolyPhen-2: "Probably Damaging"; Align-GVGD: "Class C0"). This variant has not been reported in the literature in individuals with ABHD12-related conditions. This variant is not present in population databases (ExAC no frequency). This sequence change replaces lysine with glutamic acid at codon 191 of the ABHD12 protein (p.Lys191Glu). The lysine residue is moderately conserved and there is a small physicochemical difference between lysine and glutamic acid.